The following is an entry in ClinVar:

NM_005633.4(SOS1):c.800T>G (p.Val267Gly)

Gene: SOS1 (SOS Ras/Rac guanine nucleotide exchange factor 1; minus strand). Cytogenetic location: 2p22.1.
Variant type: single nucleotide variant.
Coding change: c.800T>G on transcript NM_005633.4 (MANE Select); coding-DNA position 800, T replaced by G.
Protein change: p.Val267Gly; replaces valine 267 with glycine.
Molecular consequence: missense variant.
Genome position (GRCh38, 1-based): chr2:39,051,208, A>C on the plus strand (T>G on the coding strand, the complement: SOS1 is on the minus strand). VCF-style: chr2-39051208-A-C. GRCh37 (hg19) VCF-style: chr2-39278349-A-C.
Other names: c.779T>G, p.Val260Gly (NM_001382394.1); c.800T>G, p.Val267Gly (NM_001382395.1); short protein forms V267G, V260G.
Identifiers: ClinVar variation 1507044 (VCV001507044.6), dbSNP rs748234666, ClinGen allele CA346367684.

ClinVar aggregate classification (germline): Uncertain significance (1 of 4 stars; one submission).

Conditions:
RASopathy. Also called: rasopathies; Noonan spectrum disorder. Identifiers: Orphanet 536391, MedGen C5555857, MONDO:0021060.

Submission:

Labcorp Genetics (formerly Invitae), Labcorp
Classification: Uncertain significance for RASopathy. Last evaluated: 2023-12-13. Review status: criteria provided, single submitter. Criteria: Invitae Variant Classification Sherloc (09022015). Collection method: clinical testing. Allele origin: germline.
Comment: This sequence change replaces valine, which is neutral and non-polar, with glycine, which is neutral and non-polar, at codon 267 of the SOS1 protein (p.Val267Gly). This variant is not present in population databases (gnomAD no frequency). This variant has not been reported in the literature in individuals affected with SOS1-related conditions. ClinVar contains an entry for this variant (Variation ID: 1507044). Advanced modeling of protein sequence and biophysical properties (such as structural, functional, and spatial information, amino acid conservation, physicochemical variation, residue mobility, and thermodynamic stability) performed at Invitae indicates that this missense variant is expected to disrupt SOS1 protein function with a positive predictive value of 80%. In summary, the available evidence is currently insufficient to determine the role of this variant in disease. Therefore, it has been classified as a Variant of Uncertain Significance.